The following is an entry in ClinVar:

NM_000430.4(PAFAH1B1):c.162dup (p.Trp55fs)

Gene: PAFAH1B1 (platelet activating factor acetylhydrolase 1b regulatory subunit 1; plus strand). Cytogenetic location: 17p13.3.
Variant type: Duplication.
Coding change: c.162dup on transcript NM_000430.4 (MANE Select); coding-DNA position 162, one base duplicated (A; older notation c.162dupA).
Protein change: p.Trp55fs; shifts the reading frame from tryptophan 55.
Molecular consequence: frameshift variant.
Genome position (GRCh38, 1-based): chr17:2,666,060, A duplicated; the last of 8 consecutive A bases (chr17:2,666,053-2,666,060); duplicating any one gives the same sequence. VCF-style (leftmost placement, unchanged base first): chr17-2666052-G-GA. GRCh37 (hg19) VCF-style: chr17-2569346-G-GA.
Other names: c.162dup (NM_000430.3); short protein forms W55fs.
Identifiers: ClinVar variation 21181 (VCV000021181.21), dbSNP rs113994198, ClinGen allele CA341706.

ClinVar aggregate classification (germline): Pathogenic. Review status: criteria provided, multiple submitters, no conflicts (2 of 4 stars). 9 submissions from 8 submitters: Pathogenic (9). Last evaluated 2026-04-01.

Conditions:
Lissencephaly due to LIS1 mutation (LIS1). Also called: PAFAH1B1-Associated Lissencephaly/Subcortical Band Heterotopia; PAFAH1B1-Related Lissencephaly/Subcortical Band Heterotopia; Isolated Lissencephaly Sequence. Identifiers: Orphanet 95232, MedGen C4749301, MONDO:0011830, OMIM 607432.
Intellectual disability. Also called: Intellectual functioning disability; intellectual disabilities; Intellectual developmental disorder. Identifiers: MedGen C3714756, MeSH D008607, MONDO:0001071, HP:0001249.

Submissions (9):

CeGaT Center for Human Genetics Tuebingen
Classification: Pathogenic. Last evaluated: 2026-04-01. Review status: criteria provided, single submitter. Criteria: CeGaT Center For Human Genetics Tuebingen Variant Classification Criteria Version 2. Collection method: clinical testing. Allele origin: germline. Affected: yes. Observed: 1 variant allele.
Comment: PAFAH1B1: PVS1, PS2, PM2, PS4:Moderate

Genomic Medicine Center of Excellence, King Faisal Specialist Hospital and Research Centre
Classification: Pathogenic for Lissencephaly due to LIS1 mutation. Last evaluated: 2024-04-04. Review status: criteria provided, single submitter. Criteria: ACMG Guidelines, 2015. Collection method: clinical testing. Allele origin: germline.

Labcorp Genetics (formerly Invitae), Labcorp
Classification: Pathogenic. Last evaluated: 2023-09-03. Review status: criteria provided, single submitter. Criteria: Invitae Variant Classification Sherloc (09022015). Collection method: clinical testing. Allele origin: germline.
Comment: This premature translational stop signal has been observed in individual(s) with lissencephaly (PMID: 9817918). This sequence change creates a premature translational stop signal (p.Trp55Metfs*6) in the PAFAH1B1 gene. It is expected to result in an absent or disrupted protein product. Loss-of-function variants in PAFAH1B1 are known to be pathogenic (PMID: 1671808, 11115846, 14581661). The frequency data for this variant in the population databases is considered unreliable, as metrics indicate poor data quality at this position in the gnomAD database. This variant is also known as LIS1 c.162insA. ClinVar contains an entry for this variant (Variation ID: 21181). For these reasons, this variant has been classified as Pathogenic.

Mendelics
Classification: Pathogenic. Last evaluated: 2022-08-08. Review status: criteria provided, single submitter. Criteria: Mendelics Assertion Criteria 2019. Collection method: clinical testing. Allele origin: germline.

Institute of Human Genetics, University of Leipzig Medical Center
Classification: Pathogenic for Intellectual disability. Last evaluated: 2020-08-03. Review status: criteria provided, single submitter. Criteria: ACMG Guidelines, 2015. Collection method: clinical testing. Allele origin: somatic. Affected: yes.
Comment: Inheritance for this variant was mosaic (17% allele frequency). The variant likely explains the NDD in this individual.

Institute of Human Genetics, University of Leipzig Medical Center
Classification: Pathogenic for Lissencephaly due to LIS1 mutation. Last evaluated: 2018-09-27. Review status: criteria provided, single submitter. Criteria: ACMG Guidelines, 2015. Collection method: clinical testing. Allele origin: germline. Affected: yes. Observed: 1 variant allele.
Comment: This variant was identified as de novo

GeneDx
Classification: Pathogenic. Last evaluated: 2018-04-10. Review status: criteria provided, single submitter. Criteria: GeneDx Variant Classification (06012015). Collection method: clinical testing. Allele origin: germline. Affected: yes.
Comment: The c.162dupA pathogenic variant in the PAFAH1B1 gene has been reported previously as a de novo variant in an individual with isolated lissencephaly sequence (Pilz et al., 1998). The duplication causes a frameshift starting with codon Tryptophan 55, changes this amino acid to a Methionine residue and creates a premature Stop codon at position 6 of the new reading frame, denoted p.Trp55MetfsX6. This pathogenic variant is predicted to cause loss of normal protein function either through protein truncation or nonsense-mediated mRNA decay. Additionally, it was not observed in approximately 6,300 individuals of European and African American ancestry in the NHLBI Exome Sequencing Project, indicating it is not a common benign variant in these populations.

Center of Genomic medicine, Geneva, University Hospital of Geneva
Classification: Pathogenic for Lissencephaly due to LIS1 mutation. Last evaluated: 2015-06-29. Review status: criteria provided, single submitter. Criteria: ACMG Guidelines, 2015. Collection method: clinical testing. Allele origin: de novo. Affected: yes.

Genetic Services Laboratory, University of Chicago
Classification: Pathogenic for Lissencephaly 1. Last evaluated: 2013-02-08. Review status: criteria provided, single submitter. Criteria: ACMG Guidelines, 2007. Collection method: clinical testing. Allele origin: germline. Affected: yes.

Literature cited by the submitters: PubMed 9817918 (cited by Labcorp Genetics (formerly Invitae), Labcorp); PubMed 1671808 (cited by Labcorp Genetics (formerly Invitae), Labcorp); PubMed 11115846 (cited by Labcorp Genetics (formerly Invitae), Labcorp); PubMed 14581661 (cited by Labcorp Genetics (formerly Invitae), Labcorp).